The following is an entry in ClinVar:

NM_024740.2(ALG9):c.1432G>C (p.Glu478Gln)

Gene: ALG9 (ALG9 alpha-1,2-mannosyltransferase; minus strand). Cytogenetic location: 11q23.1.
Variant type: single nucleotide variant.
Coding change: c.1432G>C on transcript NM_024740.2 (MANE Select); coding-DNA position 1432, G replaced by C.
Protein change: p.Glu478Gln; replaces glutamic acid 478 with glutamine.
Molecular consequence: missense variant. On other transcripts: non-coding transcript variant (1).
Genome position (GRCh38, 1-based): chr11:111,837,508, C>G on the plus strand (G>C on the coding strand, the complement: ALG9 is on the minus strand). VCF-style: chr11-111837508-C-G. GRCh37 (hg19) VCF-style: chr11-111708231-C-G.
Other names: c.1411G>C, p.Glu471Gln (NM_001077690.1, NM_001352417.1); c.919G>C, p.Glu307Gln (NM_001077691.2, NM_001352413.1, NM_001352414.2 and 1 more transcripts); c.898G>C, p.Glu300Gln (NM_001077692.2, NM_001352409.1, NM_001352410.1 and 6 more transcripts); c.1288G>C, p.Glu430Gln (NM_001352418.1); c.823G>C, p.Glu275Gln (NM_001352422.2); c.775G>C, p.Glu259Gln (NM_001352423.2); short protein forms E259Q, E275Q, E300Q, E307Q, E430Q, E471Q, E478Q.
Identifiers: ClinVar variation 3341938 (VCV003341938.16).

ClinVar aggregate classification (germline): Uncertain significance (1 of 4 stars; one submission).

gnomAD v4.1: 4 of 1,614,174 alleles (0.00025%); highest among the groups gnomAD compares: Non-Finnish European, 0.00017%; no homozygotes.

Submission:

CeGaT Center for Human Genetics Tuebingen
Classification: Uncertain significance. Last evaluated: 2024-08-01. Review status: criteria provided, single submitter. Criteria: CeGaT Center For Human Genetics Tuebingen Variant Classification Criteria Version 2. Collection method: clinical testing. Allele origin: germline. Affected: yes. Observed: 1 variant allele.
Comment: ALG9: PM2, PP3